The following is an entry in ClinVar:

NM_001563.4(IMPG1):c.2045-14_2073del

Gene: IMPG1 (interphotoreceptor matrix proteoglycan 1; minus strand). Cytogenetic location: 6q14.1.
Variant type: Deletion.
Coding change: c.2045-14_2073del on transcript NM_001563.4 (MANE Select); 14 bases into the intron before coding-DNA position 2045 through coding-DNA position 2073, 43 bases deleted.
Molecular consequence: splice acceptor variant.
Genome position (GRCh38, 1-based): chr6:75,931,123-75,931,165, 43 bases deleted. GRCh37 (hg19): chr6:76,640,840-76,640,882.
Other names: c.1811-14_1839del (NM_001282368.2).
Identifiers: ClinVar variation 2978881 (VCV002978881.3), dbSNP rs2535869981, ClinGen allele CA2679460283.
Genomic context (GRCh38, chr6:75,931,122, plus strand): 5'-AGCGACACTCCGCTTCCTCAGTCCGTTCGTTCTTTACACATTGGGCAAATTCGCCGCAGG[CCAGGAACTTGCAGGGATCTGCTTGATCAGCTGTAAGAAATGGG>C]GCAGATTTTAACGCATGTATGAATAGCTAAGCAATGGAACTGGCAGCAGTCAAAGGCAAG-3'

ClinVar aggregate classification (germline): Likely pathogenic (1 of 4 stars; one submission).

Allele frequency attached by ClinVar (database versions not stated): gnomAD exomes 0.00001.

Submission:

Labcorp Genetics (formerly Invitae), Labcorp
Classification: Likely pathogenic. Last evaluated: 2022-10-30. Review status: criteria provided, single submitter. Criteria: Invitae Variant Classification Sherloc (09022015). Collection method: clinical testing. Allele origin: germline.
Comment: In summary, the currently available evidence indicates that the variant is pathogenic, but additional data are needed to prove that conclusively. Therefore, this variant has been classified as Likely Pathogenic. This variant results in the deletion of part of exon 15 (c.2045-14_2073del) of the IMPG1 gene. It is expected to disrupt RNA splicing. Variants that disrupt the donor or acceptor splice site typically lead to a loss of protein function (PMID: 16199547), and loss-of-function variants in IMPG1 are known to be pathogenic (PMID: 23993198). This variant is not present in population databases (gnomAD no frequency). This variant has not been reported in the literature in individuals affected with IMPG1-related conditions. Algorithms developed to predict the effect of sequence changes on RNA splicing suggest that this variant may disrupt the consensus splice site.

Literature cited by the submitters: PubMed 16199547; PubMed 23993198.